The following is an entry in ClinVar:

NM_001127208.3(TET2):c.1330A>G (p.Thr444Ala)

Genes: TET2 (tet methylcytosine dioxygenase 2; plus strand), TET2-AS1 (TET2 antisense RNA 1; minus strand). Cytogenetic location: 4q24.
Variant type: single nucleotide variant.
Coding change: c.1330A>G on transcript NM_001127208.3 (MANE Select); coding-DNA position 1330, A replaced by G.
Protein change: p.Thr444Ala; replaces threonine 444 with alanine.
Molecular consequence: missense variant.
Genome position (GRCh38, 1-based): chr4:105,235,272, A>G. VCF-style: chr4-105235272-A-G. GRCh37 (hg19) VCF-style: chr4-106156429-A-G.
Other names: c.1330A>G, p.Thr444Ala (NM_017628.4); short protein forms T444A.
Identifiers: ClinVar variation 4183014 (VCV004183014.1).
Genomic context (GRCh38, chr4:105,235,272, plus strand): 5'-AGCACTCTGAATGGTGGAGTTTTAGAAGAACACCACCACTACCCCAACCAAAGTAACACA[A>G]CACTTTTAAGGGAAGTGAAAATAGAGGGTAAACCTGAGGCACCACCTTCCCAGAGTCCTA-3'
Protein context (NP_001120680.1, residues 434-454): HHHYPNQSNT[Thr444Ala]LLREVKIEGK

ClinVar aggregate classification (germline): Uncertain significance (1 of 4 stars; one submission).

Submission:

Ambry Genetics
Classification: Uncertain significance. Last evaluated: 2025-08-09. Review status: criteria provided, single submitter. Criteria: Ambry Variant Classification Scheme 2023. Collection method: clinical testing. Allele origin: germline.
Comment: The p.T444A variant (also known as c.1330A>G), located in coding exon 1 of the TET2 gene, results from an A to G substitution at nucleotide position 1330. The threonine at codon 444 is replaced by alanine, an amino acid with similar properties. This amino acid position is conserved. In addition, this alteration is predicted to be tolerated by in silico analysis. Based on the available evidence, the clinical significance of this variant remains unclear.